The following is an entry in ClinVar:

NM_015330.6(SPECC1L):c.1387A>T (p.Ile463Phe)

Genes: SPECC1L (sperm antigen with calponin homology and coiled-coil domains 1 like; plus strand), SPECC1L-ADORA2A (SPECC1L-ADORA2A readthrough (NMD candidate); plus strand). Cytogenetic location: 22q11.23.
Variant type: single nucleotide variant.
Coding change: c.1387A>T on transcript NM_015330.6 (MANE Select); coding-DNA position 1387, A replaced by T.
Protein change: p.Ile463Phe; replaces isoleucine 463 with phenylalanine.
Molecular consequence: missense variant. On other transcripts: non-coding transcript variant (1).
Genome position (GRCh38, 1-based): chr22:24,322,367, A>T. VCF-style: chr22-24322367-A-T. GRCh37 (hg19) VCF-style: chr22-24718335-A-T.
Other names: c.1387A>T, p.Ile463Phe (NM_001145468.4, NM_001254732.3); short protein forms I463F.
Identifiers: ClinVar variation 3069098 (VCV003069098.2), dbSNP rs770001710, ClinGen allele CA10152109.

ClinVar aggregate classification (germline): Uncertain significance (1 of 4 stars; one submission).

Allele frequency attached by ClinVar (database versions not stated): ExAC 0.00001; gnomAD exomes 0.00001.
gnomAD v4.1: 3 of 1,614,224 alleles (0.00019%); highest among the groups gnomAD compares: Non-Finnish European, 0.00025%; no homozygotes.

Submission:

Women's Health and Genetics/Laboratory Corporation of America, LabCorp
Classification: Uncertain significance. Last evaluated: 2024-02-19. Review status: criteria provided, single submitter. Criteria: LabCorp Variant Classification Summary - May 2015. Collection method: clinical testing. Allele origin: germline.
Comment: Variant summary: SPECC1L c.1387A>T (p.Ile463Phe) results in a non-conservative amino acid change in the encoded protein sequence. Three of five in-silico tools predict a benign effect of the variant on protein function. The variant allele was found at a frequency of 4e-06 in 251398 control chromosomes (gnomAD). The available data on variant occurrences in the general population are insufficient to allow any conclusion about variant significance. To our knowledge, no occurrence of c.1387A>T in individuals affected with Opitz GBBB Syndrome, Type II and no experimental evidence demonstrating its impact on protein function have been reported. No submitters have cited clinical-significance assessments for this variant to ClinVar. Based on the evidence outlined above, the variant was classified as uncertain significance.